The following is an entry in ClinVar:

ClinVar aggregate classification (germline): Uncertain significance. Review status: criteria provided, multiple submitters, no conflicts (2 of 4 stars). 2 submissions from 2 submitters: Uncertain significance (2). Last evaluated 2025-11-23.

Conditions:
Inborn genetic diseases. Identifiers: MedGen C0950123, MeSH D030342.

Allele frequency attached by ClinVar (database versions not stated): gnomAD 0.00001; gnomAD exomes 0.00002; TOPMed 0.00004; ExAC 0.00005.

Submissions (2):

Labcorp Genetics (formerly Invitae), Labcorp
Classification: Uncertain significance. Last evaluated: 2025-11-23. Review status: criteria provided, single submitter. Criteria: Invitae Variant Classification Sherloc (09022015). Collection method: clinical testing. Allele origin: germline.
Comment: This sequence change replaces alanine, which is neutral and non-polar, with serine, which is neutral and polar, at codon 194 of the FOXC2 protein (p.Ala194Ser). This variant is present in population databases (rs747819833, gnomAD 0.04%), and has an allele count higher than expected for a pathogenic variant. This variant has not been reported in the literature in individuals affected with FOXC2-related conditions. ClinVar contains an entry for this variant (Variation ID: 2081706). An algorithm developed to predict the effect of missense changes on protein structure and function outputs the following: PolyPhen-2: "Possibly Damaging". The serine amino acid residue is found in multiple mammalian species, which suggests that this missense change does not adversely affect protein function. In summary, the available evidence is currently insufficient to determine the role of this variant in disease. Therefore, it has been classified as a Variant of Uncertain Significance.

Ambry Genetics
Classification: Uncertain significance for Inborn genetic diseases. Last evaluated: 2025-10-15. Review status: criteria provided, single submitter. Criteria: Ambry Variant Classification Scheme 2023. Collection method: clinical testing. Allele origin: germline.

NM_005251.3(FOXC2):c.580G>T (p.Ala194Ser)

Gene: FOXC2 (forkhead box C2; plus strand). Cytogenetic location: 16q24.1.
Variant type: single nucleotide variant.
Coding change: c.580G>T on transcript NM_005251.3 (MANE Select); coding-DNA position 580, G replaced by T.
Protein change: p.Ala194Ser; replaces alanine 194 with serine.
Molecular consequence: missense variant.
Genome position (GRCh38, 1-based): chr16:86,567,915, G>T. VCF-style: chr16-86567915-G-T. GRCh37 (hg19) VCF-style: chr16-86601521-G-T.
Other names: c.580G>T (NM_005251.2); short protein forms A194S.
Identifiers: ClinVar variation 2081706 (VCV002081706.5), dbSNP rs747819833, ClinGen allele CA8218361.